The following is an entry in ClinVar:

ClinVar aggregate classification (germline): Uncertain significance (1 of 4 stars; one submission).

Conditions:
Hereditary cancer-predisposing syndrome. Also called: Neoplastic Syndromes, Hereditary; Tumor predisposition; Hereditary Cancer Syndrome; Hereditary neoplastic syndrome. Identifiers: Orphanet 140162, MedGen C0027672, MeSH D009386, MONDO:0015356.

Submission:

Ambry Genetics
Classification: Uncertain significance for Hereditary cancer-predisposing syndrome. Last evaluated: 2016-01-18. Review status: criteria provided, single submitter. Criteria: Ambry Variant Classification Scheme 2023. Collection method: clinical testing. Allele origin: germline.
Comment: The p.L1060W variant (also known as c.3179T>G), located in coding exon 21 of the RAD50 gene, results from a T to G substitution at nucleotide position 3179. The leucine at codon 1060 is replaced by tryptophan, an amino acid with similar properties. This variant was not reported in population based cohorts in the following databases: Database of Single Nucleotide Polymorphisms (dbSNP), NHLBI Exome Sequencing Project (ESP), and 1000 Genomes Project. In the ESP, this variant was not observed in 6502 samples (13004 alleles) with coverage at this position. To date, this alteration has been detected with an allele frequency of approximately 0.001% (greater than 120000 alleles tested) in our clinical cohort. This amino acid position is well conserved in available vertebrate species. In addition, the in silico prediction for this alteration is inconclusive. Since supporting evidence is limited at this time, the clinical significance of p.L1060W remains unclear.

NM_005732.4(RAD50):c.3179T>G (p.Leu1060Trp)

Gene: RAD50 (RAD50 double strand break repair protein; plus strand). Cytogenetic location: 5q31.1.
Variant type: single nucleotide variant.
Coding change: c.3179T>G on transcript NM_005732.4 (MANE Select); coding-DNA position 3179, T replaced by G.
Protein change: p.Leu1060Trp; replaces leucine 1060 with tryptophan.
Molecular consequence: missense variant.
Genome position (GRCh38, 1-based): chr5:132,618,084, T>G. VCF-style: chr5-132618084-T-G. GRCh37 (hg19) VCF-style: chr5-131953776-T-G.
Other names: short protein forms L1060W.
Identifiers: ClinVar variation 482094 (VCV000482094.5), dbSNP rs1554099864, ClinGen allele CA360964229.